The following is an entry in ClinVar:

ClinVar aggregate classification (germline): Uncertain significance (1 of 4 stars; one submission).

Conditions:
Bethlem myopathy 1A. Also called: MYOPATHY, BENIGN CONGENITAL, WITH CONTRACTURES; Bethlem myopathy 1; Bethlem Muscular Dystrophy. Identifiers: Orphanet 610, MedGen CN029274, MONDO:0024530, OMIM 158810.

Submission:

Labcorp Genetics (formerly Invitae), Labcorp
Classification: Uncertain significance for Bethlem myopathy 1A. Last evaluated: 2024-10-21. Review status: criteria provided, single submitter. Criteria: Invitae Variant Classification Sherloc (09022015). Collection method: clinical testing. Allele origin: germline.
Comment: This sequence change replaces glycine, which is neutral and non-polar, with glutamic acid, which is acidic and polar, at codon 1997 of the COL6A3 protein (p.Gly1997Glu). This variant is not present in population databases (gnomAD no frequency). This variant has not been reported in the literature in individuals affected with COL6A3-related conditions. Invitae Evidence Modeling of protein sequence and biophysical properties (such as structural, functional, and spatial information, amino acid conservation, physicochemical variation, residue mobility, and thermodynamic stability) indicates that this missense variant is expected to disrupt COL6A3 protein function with a positive predictive value of 80%. In summary, the available evidence is currently insufficient to determine the role of this variant in disease. Therefore, it has been classified as a Variant of Uncertain Significance.

NM_004369.4(COL6A3):c.5990G>A (p.Gly1997Glu)

Gene: COL6A3 (collagen type VI alpha 3 chain; minus strand). Cytogenetic location: 2q37.3.
Variant type: single nucleotide variant.
Coding change: c.5990G>A on transcript NM_004369.4 (MANE Select); coding-DNA position 5990, G replaced by A.
Protein change: p.Gly1997Glu; replaces glycine 1997 with glutamic acid.
Molecular consequence: missense variant.
Genome position (GRCh38, 1-based): chr2:237,363,326, C>T on the plus strand (G>A on the coding strand, the complement: COL6A3 is on the minus strand). VCF-style: chr2-237363326-C-T. GRCh37 (hg19) VCF-style: chr2-238271969-C-T.
Other names: c.4169G>A, p.Gly1390Glu (NM_057166.5); c.5372G>A, p.Gly1791Glu (NM_057167.4); short protein forms G1997E, G1791E, G1390E.
Identifiers: ClinVar variation 3666577 (VCV003666577.2).
Genomic context (GRCh38, chr2:237,363,326, plus strand): 5'-AGTTCATAATCCAAGTCCAGCAAGTTAAGCCTCAGGGGCCTGTCATACATAAACCCTCGC[C>T]CAAACTCCAGATGCATTAGCCGCTCCAAGTTGACCACTCGTTCAAGGCCCACCAGGATCA-3'
Protein context (NP_004360.2, residues 1987-2007): NLERLMHLEF[Gly1997Glu]RGFMYDRPLR